The following is an entry in ClinVar:

ClinVar aggregate classification (germline): Uncertain significance (1 of 4 stars; one submission).

Submission:

GeneDx
Classification: Uncertain significance. Last evaluated: 2025-11-07. Review status: criteria provided, single submitter. Criteria: GeneDx Variant Classification Process June 2021. Collection method: clinical testing. Allele origin: germline. Affected: yes.
Comment: Not observed at significant frequency in large population cohorts (gnomAD); In silico analysis supports that this missense variant has a deleterious effect on protein structure/function; Has not been previously published as pathogenic or benign to our knowledge

NM_021096.4(CACNA1I):c.4574T>G (p.Met1525Arg)

Gene: CACNA1I (calcium voltage-gated channel subunit alpha1 I; plus strand). Cytogenetic location: 22q13.1.
Variant type: single nucleotide variant.
Coding change: c.4574T>G on transcript NM_021096.4 (MANE Select); coding-DNA position 4574, T replaced by G.
Protein change: p.Met1525Arg; replaces methionine 1525 with arginine.
Molecular consequence: missense variant.
Genome position (GRCh38, 1-based): chr22:39,672,233, T>G. VCF-style: chr22-39672233-T-G. GRCh37 (hg19) VCF-style: chr22-40068238-T-G.
Other names: c.4469T>G, p.Met1490Arg (NM_001003406.2); short protein forms M1490R, M1525R.
Identifiers: ClinVar variation 2579385 (VCV002579385.2), dbSNP rs2518185977, ClinGen allele CA411627863.
Genomic context (GRCh38, chr22:39,672,233, plus strand): 5'-TCATGCTTCTCTTTGTTCCTCCATAGTCCCTGGAGACAGCCCTCAAGTACTGCAACTATA[T>G]GTTCACCACTGTCTTTGTGCTGGAGGCTGTGCTGAAGCTGGTGGCATTTGGTCTGAGGCG-3'
Protein context (NP_066919.2, residues 1515-1535): LETALKYCNY[Met1525Arg]FTTVFVLEAV